The following is an entry in ClinVar:

NM_001953.5(TYMP):c.1250del (p.Leu417fs)

Genes: SCO2 (synthesis of cytochrome C oxidase 2; minus strand), TYMP (thymidine phosphorylase; minus strand), LOC130067862 (ATAC-STARR-seq lymphoblastoid silent region 13986; plus strand). Cytogenetic location: 22q13.33.
Variant type: Deletion.
Coding change: c.1250del on transcript NM_001953.5 (MANE Select); coding-DNA position 1250, one base deleted (T; older notation c.1250delT).
Protein change: p.Leu417fs; shifts the reading frame from leucine 417.
Molecular consequence: frameshift variant. On other transcripts: 5 prime UTR variant (1), intron variant (1).
Genome position (GRCh38, 1-based): chr22:50,526,051, A deleted on the plus strand (T on the coding strand, the reverse complement: TYMP is on the minus strand). VCF-style (leftmost placement, unchanged base first): chr22-50526050-CA-C. GRCh37 (hg19) VCF-style: chr22-50964479-CA-C.
Other names: c.1250del, p.Leu417fs (NM_001113755.3, NM_001113756.3, NM_001257988.1); c.1265del, p.Leu422fs (NM_001257989.1); c.-64del (NM_001169110.1); c.-14+195del (NM_001169109.2); short protein forms L417fs, L422fs.
Identifiers: ClinVar variation 2767144 (VCV002767144.3), dbSNP rs2522505701, ClinGen allele CA2697552818.

ClinVar aggregate classification (germline): Pathogenic (1 of 4 stars; one submission).

Submission:

Labcorp Genetics (formerly Invitae), Labcorp
Classification: Pathogenic. Last evaluated: 2023-10-09. Review status: criteria provided, single submitter. Criteria: Invitae Variant Classification Sherloc (09022015). Collection method: clinical testing. Allele origin: germline.
Comment: This sequence change results in a frameshift in the TYMP gene (p.Leu417Argfs*). While this is not anticipated to result in nonsense mediated decay, it is expected to disrupt the last 66 amino acid(s) of the TYMP protein and extend the protein by an uncertain number of additional amino acid residues. This variant is not present in population databases (gnomAD no frequency). This variant has not been reported in the literature in individuals affected with TYMP-related conditions. This variant disrupts a region of the TYMP protein in which other variant(s) (p.Ser471*) have been determined to be pathogenic (PMID: 17437622). This suggests that this is a clinically significant region of the protein, and that variants that disrupt it are likely to be disease-causing. For these reasons, this variant has been classified as Pathogenic.

Literature cited by the submitters: PubMed 17437622.